The following is an entry in ClinVar:

ClinVar aggregate classification (germline): Uncertain significance (1 of 4 stars; one submission).

Allele frequency attached by ClinVar (database versions not stated): gnomAD exomes below 0.00001.
gnomAD v4.1: 1 of 1,551,410 alleles (0.000064%); highest among the groups gnomAD compares: East Asian, 0.0024%; no homozygotes.

Submission:

Labcorp Genetics (formerly Invitae), Labcorp
Classification: Uncertain significance. Last evaluated: 2023-11-13. Review status: criteria provided, single submitter. Criteria: Invitae Variant Classification Sherloc (09022015). Collection method: clinical testing. Allele origin: germline.
Comment: This sequence change replaces leucine, which is neutral and non-polar, with phenylalanine, which is neutral and non-polar, at codon 811 of the CACNA1E protein (p.Leu811Phe). This variant is not present in population databases (gnomAD no frequency). This variant has not been reported in the literature in individuals affected with CACNA1E-related conditions. Advanced modeling of protein sequence and biophysical properties (such as structural, functional, and spatial information, amino acid conservation, physicochemical variation, residue mobility, and thermodynamic stability) has been performed at Invitae for this missense variant, however the output from this modeling did not meet the statistical confidence thresholds required to predict the impact of this variant on CACNA1E protein function. In summary, the available evidence is currently insufficient to determine the role of this variant in disease. Therefore, it has been classified as a Variant of Uncertain Significance.

NM_001205293.3(CACNA1E):c.2431C>T (p.Leu811Phe)

Gene: CACNA1E (calcium voltage-gated channel subunit alpha1 E; plus strand). Cytogenetic location: 1q25.3.
Variant type: single nucleotide variant.
Coding change: c.2431C>T on transcript NM_001205293.3 (MANE Select); coding-DNA position 2431, C replaced by T.
Protein change: p.Leu811Phe; replaces leucine 811 with phenylalanine.
Molecular consequence: missense variant.
Genome position (GRCh38, 1-based): chr1:181,732,517, C>T. VCF-style: chr1-181732517-C-T. GRCh37 (hg19) VCF-style: chr1-181701653-C-T.
Other names: c.2431C>T, p.Leu811Phe (NM_000721.4); c.2374C>T, p.Leu792Phe (NM_001205294.2); short protein forms L811F, L792F.
Identifiers: ClinVar variation 2885620 (VCV002885620.3), dbSNP rs2528693786, ClinGen allele CA343617335.
Genomic context (GRCh38, chr1:181,732,517, plus strand): 5'-ATGTCCAGCCAGGAGGCCCTCAACAGAGAGGAGGCGCCGACCATGAACCCGCTCAACCCC[C>T]TCAACCCGCTCAGCTCCCTCAACCCGCTCAATGCCCACCCCAGCCTTTATCGGCGACCCA-3'
Protein context (NP_001192222.1, residues 801-821): EAPTMNPLNP[Leu811Phe]NPLSSLNPLN